The following is an entry in ClinVar:

NM_015443.4(KANSL1):c.2980A>G (p.Ser994Gly)

Gene: KANSL1 (KAT8 regulatory NSL complex subunit 1). Cytogenetic location: 17q21.31.
Variant type: single nucleotide variant.
Coding change: c.2980A>G on transcript NM_015443.4 (MANE Select); coding-DNA position 2980, A replaced by G.
Protein change: p.Ser994Gly; replaces serine 994 with glycine.
Molecular consequence: missense variant.
Genome position (GRCh38, 1-based): chr17:46,032,157, T>C on the plus strand (A>G on the coding strand, the complement: KANSL1 is on the minus strand). VCF-style: chr17-46032157-T-C. GRCh37 (hg19) VCF-style: chr17-44109523-T-C.
Other names: c.2875A>G, p.Ser959Gly (NM_001405861.1); c.2848A>G, p.Ser950Gly (NM_001405872.1, NM_001405873.1, NM_001405874.1); c.2791A>G, p.Ser931Gly (NM_001405875.1, NM_001405876.1, NM_001405877.1 and 1 more transcripts); c.2788A>G, p.Ser930Gly (NM_001405879.1, NM_001405880.1); c.2743A>G, p.Ser915Gly (NM_001405881.1); c.1714A>G, p.Ser572Gly (NM_001405882.1); c.1711A>G, p.Ser571Gly (NM_001405883.1); c.1525A>G, p.Ser509Gly (NM_001405884.1); and 5 more; short protein forms S508G, S571G, S915G, S930G, S959G, S509G, S993G, S572G.
Identifiers: ClinVar variation 2725447 (VCV002725447.4), dbSNP rs2510368799, ClinGen allele CA399986751.

ClinVar aggregate classification (germline): Uncertain significance. Review status: criteria provided, multiple submitters, no conflicts (2 of 4 stars). 2 submissions from 2 submitters: Uncertain significance (2). Last evaluated 2025-07-03.

Conditions:
Inborn genetic diseases. Identifiers: MedGen C0950123, MeSH D030342.
Koolen-de Vries syndrome (KDVS). Identifiers: Orphanet 96169, MedGen C1864871, MONDO:0012496, OMIM 610443.

Allele frequency attached by ClinVar (database versions not stated): gnomAD exomes below 0.00001.
gnomAD v4.1: 1 of 1,613,968 alleles (0.000062%); highest among the groups gnomAD compares: Non-Finnish European, 0.000085%; no homozygotes.

Submissions (2):

Ambry Genetics
Classification: Uncertain significance for Inborn genetic diseases. Last evaluated: 2025-07-03. Review status: criteria provided, single submitter. Criteria: Ambry Variant Classification Scheme 2023. Collection method: clinical testing. Allele origin: germline.

Labcorp Genetics (formerly Invitae), Labcorp
Classification: Uncertain significance for Koolen-de Vries syndrome. Last evaluated: 2023-09-10. Review status: criteria provided, single submitter. Criteria: Invitae Variant Classification Sherloc (09022015). Collection method: clinical testing. Allele origin: germline.
Comment: This sequence change replaces serine, which is neutral and polar, with glycine, which is neutral and non-polar, at codon 994 of the KANSL1 protein (p.Ser994Gly). This variant is not present in population databases (gnomAD no frequency). This variant has not been reported in the literature in individuals affected with KANSL1-related conditions. Advanced modeling of protein sequence and biophysical properties (such as structural, functional, and spatial information, amino acid conservation, physicochemical variation, residue mobility, and thermodynamic stability) has been performed at Invitae for this missense variant, however the output from this modeling did not meet the statistical confidence thresholds required to predict the impact of this variant on KANSL1 protein function. In summary, the available evidence is currently insufficient to determine the role of this variant in disease. Therefore, it has been classified as a Variant of Uncertain Significance.